The following is an entry in ClinVar:

NM_002691.4(POLD1):c.763A>T (p.Met255Leu)

Gene: POLD1 (DNA polymerase delta 1, catalytic subunit; plus strand). Cytogenetic location: 19q13.33.
Variant type: single nucleotide variant.
Coding change: c.763A>T on transcript NM_002691.4 (MANE Select); coding-DNA position 763, A replaced by T.
Protein change: p.Met255Leu; replaces methionine 255 with leucine.
Molecular consequence: missense variant. On other transcripts: non-coding transcript variant (1).
Genome position (GRCh38, 1-based): chr19:50,402,458, A>T. VCF-style: chr19-50402458-A-T. GRCh37 (hg19) VCF-style: chr19-50905715-A-T.
Other names: c.763A>T, p.Met255Leu (NM_001256849.1, NM_001308632.1); short protein forms M255L.
Identifiers: ClinVar variation 3702546 (VCV003702546.2).

ClinVar aggregate classification (germline): Uncertain significance (1 of 4 stars; one submission).

Conditions:
POLD1-related polyposis and colorectal cancer syndrome (CRCS10). Also called: Colorectal cancer 10; COLORECTAL CANCER, SUSCEPTIBILITY TO, ON CHROMOSOME 19q; Colorectal cancer, susceptibility to, 10. Identifiers: Orphanet 220460, MedGen C2675481, MONDO:0012953, OMIM 612591.

gnomAD v4.1: 1 of 1,612,888 alleles (0.000062%); highest among the groups gnomAD compares: Non-Finnish European, 0.000085%; no homozygotes.

Submission:

Labcorp Genetics (formerly Invitae), Labcorp
Classification: Uncertain significance for POLD1-related polyposis and colorectal cancer syndrome. Last evaluated: 2024-11-29. Review status: criteria provided, single submitter. Criteria: Invitae Variant Classification Sherloc (09022015). Collection method: clinical testing. Allele origin: germline.
Comment: This sequence change replaces methionine, which is neutral and non-polar, with leucine, which is neutral and non-polar, at codon 255 of the POLD1 protein (p.Met255Leu). This variant is not present in population databases (gnomAD no frequency). This variant has not been reported in the literature in individuals affected with POLD1-related conditions. Invitae Evidence Modeling of protein sequence and biophysical properties (such as structural, functional, and spatial information, amino acid conservation, physicochemical variation, residue mobility, and thermodynamic stability) indicates that this missense variant is not expected to disrupt POLD1 protein function with a negative predictive value of 80%. In summary, the available evidence is currently insufficient to determine the role of this variant in disease. Therefore, it has been classified as a Variant of Uncertain Significance.